The following is an entry in ClinVar:

ClinVar aggregate classification (germline): Pathogenic (1 of 4 stars; one submission).

Submission:

Labcorp Genetics (formerly Invitae), Labcorp
Classification: Pathogenic. Last evaluated: 2023-01-30. Review status: criteria provided, single submitter. Criteria: Invitae Variant Classification Sherloc (09022015). Collection method: clinical testing. Allele origin: germline.
Comment: This sequence change creates a premature translational stop signal (p.Lys164Glyfs*31) in the ARHGEF18 gene. It is expected to result in an absent or disrupted protein product. Loss-of-function variants in ARHGEF18 are known to be pathogenic (PMID: 28132693). This variant is not present in population databases (gnomAD no frequency). This variant has not been reported in the literature in individuals affected with ARHGEF18-related conditions. For these reasons, this variant has been classified as Pathogenic.

Literature cited by the submitters: PubMed 28132693.

NM_001367823.1(ARHGEF18):c.1054_1057del (p.Lys352fs)

Gene: ARHGEF18 (Rho/Rac guanine nucleotide exchange factor 18; plus strand). Cytogenetic location: 19p13.2.
Variant type: Deletion.
Coding change: c.1054_1057del on transcript NM_001367823.1 (MANE Select); coding-DNA positions 1054 to 1057, 4 bases deleted (AAAG; older notation c.1054_1057delAAAG).
Protein change: p.Lys352fs; shifts the reading frame from lysine 352.
Molecular consequence: frameshift variant.
Genome position (GRCh38, 1-based): chr19:7,440,430-7,440,433, AAAG deleted; deleting any 4 consecutive bases within chr19:7,440,428-7,440,433 gives the same sequence; the c. name uses the placement nearest the transcript's 3' end. VCF-style (leftmost placement, unchanged base first): chr19-7440427-CAGAA-C. GRCh37 (hg19) VCF-style: chr19-7505313-CAGAA-C.
Other names: c.328_331del, p.Lys110fs (NM_001130955.2); c.16_19del, p.Lys6fs (NM_001367824.1, NM_015318.4); short protein forms K6fs, K110fs, K352fs.
Identifiers: ClinVar variation 2873837 (VCV002873837.3), dbSNP rs1974567691, ClinGen allele CA993135404.